The following is an entry in ClinVar:

ClinVar aggregate classification (germline): Pathogenic. Review status: reviewed by expert panel (3 of 4 stars). 6 submissions from 6 submitters: Pathogenic (1). 5 of the submissions do not count toward it. Last evaluated 2026-09-26.

Conditions:
Retinitis pigmentosa 3. Also called: CHOROIDORETINAL DEGENERATION WITH RETINAL REFLEX IN HETEROZYGOUS WOMEN. Identifiers: Orphanet 791, MedGen C1845667, MONDO:0010227, OMIM 300029.
Primary ciliary dyskinesia. Also called: Ciliary dyskinesia. Identifiers: Orphanet 244, MedGen C0008780, MONDO:0016575, HP:0012265.
Retinal dystrophy. Also called: Inherited retinal dystrophy. Identifiers: Orphanet 71862, MedGen C0854723, MeSH D058499, MONDO:0019118, HP:0000556.
RPGR-related retinopathy. Also called: RPGR retinopathy. Identifiers: MedGen CN305589, MONDO:0100437.
RPGR-related disorder. Also called: RPGR-related condition.

Submissions (6):

ClinGen X-linked Inherited Retinal Disease Variant Curation Expert Panel, ClinGen
Classification: Pathogenic for RPGR-related retinopathy. Last evaluated: 2026-09-26. Review status: reviewed by expert panel. Criteria: ClinGen X LinkedIRD ACMG Specifications RPGR V1.0.0. Collection method: curation. Allele origin: germline. Inheritance: X-linked inheritance.
Comment: NM_001034853.2(RPGR):c.2840del (p.Glu947GlyfsTer?) is a frameshift variant caused by 1 nucleotide deletion, that introduces a premature stop codon in exon 15 of 15 and is predicted to disrupt a critical C-terminal region required for the proper function of RPGR (PVS1, PMID: 36445968). This variant is absent from hemizygous individuals in gnomAD v4.1.1 (PM2_Supporting). This variant has been reported in at least 2 apparently unrelated probands meeting the PS4 requirement of some functional vision impairment in affected males by age 30, with decreased or absent cone and/or rod ERG responses (PMID: 38219857; PS4_Supporting). At least one proband harboring this variant exhibits a phenotype including visual field constrictions (0.5 pt), decreased central vision acuity (0.5 pt), X-linked inheritance (2 pt), 250 gene panel (2 pts), cone-rod dystrophy without harboring a truncating variant after c.2128 (2 pts), and early onset (1), which together are highly specific for RPGR-related retinopathy (8 points, PMID: 16969763, 41686256, PP4_Moderate). In summary, this variant is classified as pathogenic for RPGR-related retinopathy based on the ClinGen X-linked Inherited Retinal Disease Expert Panel Specifications to the ACMG/AMP Variant Interpretation Guidelines for RPGR Version 1.0.0: PVS1, PP4_moderate, PM2_supporting, and PS4_supporting.

MVZ Martinsried, Medicover Genetics
Classification: Pathogenic for Retinitis pigmentosa 3. Last evaluated: 2026-07-17. Review status: criteria provided, single submitter. Criteria: ClinGen Variant Curation SOP V3.2 + Classification Guidance July2025. Collection method: clinical testing. Allele origin: unknown. Affected: yes. Observed: 1 hemizygote. Not counted in ClinVar's aggregate classification.

Labcorp Genetics (formerly Invitae), Labcorp
Classification: Pathogenic for Primary ciliary dyskinesia. Last evaluated: 2025-05-05. Review status: criteria provided, single submitter. Criteria: Invitae Variant Classification Sherloc (09022015). Collection method: clinical testing. Allele origin: germline. Not counted in ClinVar's aggregate classification.
Comment: This sequence change creates a premature translational stop signal (p.Glu947Glyfs*142) in the RPGR (ORF15) gene. While this is not anticipated to result in nonsense mediated decay, it is expected to disrupt the last 206 amino acid(s) of the RPGR (ORF15) protein. The frequency data for this variant in the population databases is considered unreliable, as metrics indicate insufficient coverage at this position in the gnomAD database. This premature translational stop signal has been observed in individual(s) with inherited retinal disease (PMID: 16969763, 38219857). ClinVar contains an entry for this variant (Variation ID: 3249910). This variant disrupts a region of the RPGR (ORF15) protein in which other variant(s) (p.Leu1130Lysfs*13) have been determined to be pathogenic (PMID: 22264887; internal data). This suggests that this is a clinically significant region of the protein, and that variants that disrupt it are likely to be disease-causing. For these reasons, this variant has been classified as Pathogenic.

3billion
Classification: Likely pathogenic for Retinitis pigmentosa 3. Last evaluated: 2023-12-20. Review status: criteria provided, single submitter. Criteria: ACMG Guidelines, 2015. Collection method: clinical testing. Allele origin: germline. Affected: yes. Not counted in ClinVar's aggregate classification.
Comment: The variant is not observed in the gnomAD v2.1.1 dataset. Predicted Consequence/Location: Frameshift: predicted to result in a loss or disruption of normal protein function through protein truncation. The predicted truncated protein may be shortened by more than 10%. Therefore, this variant is classified as Likely pathogenic according to the recommendation of ACMG/AMP guideline.

Blueprint Genetics
Classification: Pathogenic for RPGR-related disorders. Last evaluated: 2021-07-28. Review status: criteria provided, single submitter. Criteria: ACMG Guidelines, 2015. Collection method: clinical testing. Allele origin: germline. Affected: yes. Observed: 3 variant alleles. Not counted in ClinVar's aggregate classification.

Institute of Human Genetics, Univ. Regensburg, Univ. Regensburg
Classification: Pathogenic for Retinal dystrophy. Last evaluated: 2010-01-01. Review status: criteria provided, single submitter. Criteria: ACMG Guidelines, 2015. Collection method: clinical testing. Allele origin: germline. Affected: yes. Not counted in ClinVar's aggregate classification.

Literature cited by the submitters: PubMed 16969763 (cited by Labcorp Genetics (formerly Invitae), Labcorp and Institute of Human Genetics, Univ. Regensburg, Univ. Regensburg); PubMed 38219857 (cited by Labcorp Genetics (formerly Invitae), Labcorp); PubMed 22264887 (cited by Labcorp Genetics (formerly Invitae), Labcorp).

NM_001034853.2(RPGR):c.2840del (p.Glu947fs)

Gene: RPGR (retinitis pigmentosa GTPase regulator; minus strand). Cytogenetic location: Xp11.4.
Variant type: Deletion.
Coding change: c.2840del on transcript NM_001034853.2 (MANE Select); coding-DNA position 2840, one base deleted (A; older notation c.2840delA).
Protein change: p.Glu947fs; shifts the reading frame from glutamic acid 947.
Molecular consequence: frameshift variant. On other transcripts: intron variant (8).
Genome position (GRCh38, 1-based): chrX:38,286,159, T deleted on the plus strand (A on the coding strand, the reverse complement: RPGR is on the minus strand). VCF-style (leftmost placement, unchanged base first): chrX-38286158-CT-C. GRCh37 (hg19) VCF-style: chrX-38145411-CT-C.
Other names: NM_001034853.2(RPGR):c.2840del; p.Glu947fs; c.1569+4800del (NM_001367249.1, NM_001367250.1); c.1902+935del (NM_001367245.1); c.1386+4800del (NM_001367251.1); c.1719+935del (NM_001367246.1); c.1572+4800del (NM_001367247.1); c.1905+935del (NM_000328.3); and 1 more; short protein forms E947fs.
Identifiers: ClinVar variation 3249910 (VCV003249910.6).